The following is an entry in ClinVar:

NM_001065.4(TNFRSF1A):c.1058-4G>A

Gene: TNFRSF1A (TNF receptor superfamily member 1A; minus strand). Cytogenetic location: 12p13.31.
Variant type: single nucleotide variant.
Coding change: c.1058-4G>A on transcript NM_001065.4 (MANE Select); 4 bases into the intron before coding-DNA position 1058, G replaced by A.
Molecular consequence: intron variant.
Genome position (GRCh38, 1-based): chr12:6,329,626, C>T on the plus strand (G>A on the coding strand, the complement: TNFRSF1A is on the minus strand). VCF-style: chr12-6329626-C-T. GRCh37 (hg19) VCF-style: chr12-6438792-C-T.
Other names: c.734-4G>A (NM_001346091.2); c.599-4G>A (NM_001346092.2).
Identifiers: ClinVar variation 246439 (VCV000246439.11), dbSNP rs369451569, ClinGen allele CA6405271.

ClinVar aggregate classification (germline): Likely benign. Review status: criteria provided, multiple submitters, no conflicts (2 of 4 stars). 2 submissions from 2 submitters: Likely benign (2). Last evaluated 2026-01-11.

Conditions:
TNF receptor-associated periodic fever syndrome (TRAPS) (FPF). Also called: TNF RECEPTOR-ASSOCIATED PERIODIC SYNDROME; TUMOR NECROSIS FACTOR RECEPTOR-ASSOCIATED PERIODIC SYNDROME; TNF receptor 1-associated periodic fever syndrome; FAMILIAL HIBERNIAN FEVER; Autosomal Dominant Familial Periodic Fever; TNF Receptor-Associated Periodic Fever Syndrome. Identifiers: Orphanet 32960, MedGen C1275126, MONDO:0007727, OMIM 142680.

Allele frequency attached by ClinVar (database versions not stated): ESP Exome Variant Server 0.00016; gnomAD 0.00026; TOPMed 0.00029.

Submissions (2):

Labcorp Genetics (formerly Invitae), Labcorp
Classification: Likely benign for TNF receptor-associated periodic fever syndrome (TRAPS). Last evaluated: 2026-01-11. Review status: criteria provided, single submitter. Criteria: Invitae Variant Classification Sherloc (09022015). Collection method: clinical testing. Allele origin: germline.

GeneDx
Classification: Likely benign. Last evaluated: 2016-02-29. Review status: criteria provided, single submitter. Criteria: GeneDx Variant Classification (06012015). Collection method: clinical testing. Allele origin: germline. Affected: yes.
Comment: This variant is considered likely benign or benign based on one or more of the following criteria: it is a conservative change, it occurs at a poorly conserved position in the protein, it is predicted to be benign by multiple in silico algorithms, and/or has population frequency not consistent with disease.